The following is an entry in ClinVar:

NM_001197104.2(KMT2A):c.3923A>G (p.Gln1308Arg)

Gene: KMT2A (lysine methyltransferase 2A; plus strand). Cytogenetic location: 11q23.3.
Variant type: single nucleotide variant.
Coding change: c.3923A>G on transcript NM_001197104.2 (MANE Select); coding-DNA position 3923, A replaced by G.
Protein change: p.Gln1308Arg; replaces glutamine 1308 with arginine.
Molecular consequence: missense variant.
Genome position (GRCh38, 1-based): chr11:118,482,003, A>G. VCF-style: chr11-118482003-A-G. GRCh37 (hg19) VCF-style: chr11-118352718-A-G.
Other names: c.4022A>G, p.Gln1341Arg (NM_001412597.1); c.3923A>G, p.Gln1308Arg (NM_005933.4); short protein forms Q1341R, Q1308R.
Identifiers: ClinVar variation 3700845 (VCV003700845.3).
Genomic context (GRCh38, chr11:118,482,003, plus strand): 5'-CTCCAGCTTCCAGGAAGTCAAGCAAGCAGGTCTCCCAGCCAGCACTGGTCATCCCGCCTC[A>G]GCCACCTACTACAGGACCGCCAAGAAAAGAAGTTCCCAAAACCACTCCTAGTGAGCCCAA-3'
Protein context (NP_001184033.1, residues 1298-1318): VSQPALVIPP[Gln1308Arg]PPTTGPPRKE

ClinVar aggregate classification (germline): Uncertain significance. Review status: criteria provided, multiple submitters, no conflicts (2 of 4 stars). 2 submissions from 2 submitters: Uncertain significance (2). Last evaluated 2025-03-18.

gnomAD v4.1: 6 of 1,614,122 alleles (0.00037%); highest among the groups gnomAD compares: African/African-American, 0.0013%; no homozygotes.

Submissions (2):

Labcorp Genetics (formerly Invitae), Labcorp
Classification: Uncertain significance. Last evaluated: 2025-03-18. Review status: criteria provided, single submitter. Criteria: Invitae Variant Classification Sherloc (09022015). Collection method: clinical testing. Allele origin: germline.
Comment: This sequence change replaces glutamine, which is neutral and polar, with arginine, which is basic and polar, at codon 1308 of the KMT2A protein (p.Gln1308Arg). This variant is present in population databases (no rsID available, gnomAD 0.007%). This variant has not been reported in the literature in individuals affected with KMT2A-related conditions. Invitae Evidence Modeling of protein sequence and biophysical properties (such as structural, functional, and spatial information, amino acid conservation, physicochemical variation, residue mobility, and thermodynamic stability) has been performed for this missense variant. However, the output from this modeling did not meet the statistical confidence thresholds required to predict the impact of this variant on KMT2A protein function. In summary, the available evidence is currently insufficient to determine the role of this variant in disease. Therefore, it has been classified as a Variant of Uncertain Significance.

Blueprint Genetics
Classification: Uncertain significance. Last evaluated: 2024-11-18. Review status: criteria provided, single submitter. Criteria: ACMG Guidelines, 2015. Collection method: clinical testing. Allele origin: germline.